The following is an entry in ClinVar:

ClinVar aggregate classification (germline): Pathogenic (1 of 4 stars; one submission).

Conditions:
Hereditary cancer-predisposing syndrome. Also called: Neoplastic Syndromes, Hereditary; Tumor predisposition; Hereditary neoplastic syndrome; Hereditary Cancer Syndrome. Identifiers: Orphanet 140162, MedGen C0027672, MeSH D009386, MONDO:0015356.

Submission:

Ambry Genetics
Classification: Pathogenic for Hereditary cancer-predisposing syndrome. Last evaluated: 2018-07-03. Review status: criteria provided, single submitter. Criteria: Ambry Variant Classification Scheme 2023. Collection method: clinical testing. Allele origin: germline.
Comment: The c.5667delT variant, located in coding exon 10 of the BRCA2 gene, results from a deletion of one nucleotide at nucleotide position 5667, causing a translational frameshift with a predicted alternate stop codon (p.M1890Wfs*19). This alteration is expected to result in loss of function by premature protein truncation or nonsense-mediated mRNA decay. As such, this alteration is interpreted as a disease-causing mutation.

NM_000059.4(BRCA2):c.5667del (p.Met1890fs)

Gene: BRCA2 (BRCA2 DNA repair associated; plus strand). Cytogenetic location: 13q13.1.
Variant type: Deletion.
Coding change: c.5667del on transcript NM_000059.4 (MANE Select); coding-DNA position 5667, one base deleted (T; older notation c.5667delT).
Protein change: p.Met1890fs; shifts the reading frame from methionine 1890.
Molecular consequence: frameshift variant.
Genome position (GRCh38, 1-based): chr13:32,340,022, T deleted; the last of 2 consecutive T bases (chr13:32,340,021-32,340,022); deleting either gives the same sequence. VCF-style (leftmost placement, unchanged base first): chr13-32340020-AT-A. GRCh37 (hg19) VCF-style: chr13-32914157-AT-A.
Other names: short protein forms M1890fs.
Identifiers: ClinVar variation 825883 (VCV000825883.4), dbSNP rs1593906137, ClinGen allele CA915948497.